The following is an entry in ClinVar:

NM_206933.4(USH2A):c.4577G>A (p.Gly1526Glu)

Gene: USH2A (usherin; minus strand). Cytogenetic location: 1q41.
Variant type: single nucleotide variant.
Coding change: c.4577G>A on transcript NM_206933.4 (MANE Select); coding-DNA position 4577, G replaced by A.
Protein change: p.Gly1526Glu; replaces glycine 1526 with glutamic acid.
Molecular consequence: missense variant.
Genome position (GRCh38, 1-based): chr1:216,175,302, C>T on the plus strand (G>A on the coding strand, the complement: USH2A is on the minus strand). VCF-style: chr1-216175302-C-T. GRCh37 (hg19) VCF-style: chr1-216348644-C-T.
Other names: c.4577G>A, p.Gly1526Glu (NM_007123.6); short protein forms G1526E.
Identifiers: ClinVar variation 4526005 (VCV004526005.1).

ClinVar aggregate classification (germline): Uncertain significance (1 of 4 stars; one submission).

Submission:

Women's Health and Genetics/Laboratory Corporation of America, LabCorp
Classification: Uncertain significance. Last evaluated: 2025-07-10. Review status: criteria provided, single submitter. Criteria: LabCorp Variant Classification Summary - May 2015. Collection method: clinical testing. Allele origin: germline.
Comment: Variant summary: USH2A c.4577G>A (p.Gly1526Glu) results in a non-conservative amino acid change in the encoded protein sequence. Algorithms developed to predict the effect of missense changes on protein structure and function all suggest that this variant is likely to be disruptive. The variant was absent in 250518 control chromosomes. The available data on variant occurrences in the general population are insufficient to allow any conclusion about variant significance. To our knowledge, no occurrence of c.4577G>A in individuals affected with Usher Syndrome and no experimental evidence demonstrating its impact on protein function have been reported. No submitters have cited clinical-significance assessments for this variant to ClinVar. Based on the evidence outlined above, the variant was classified as uncertain significance.